The following is an entry in ClinVar:

NM_001080467.3(MYO5B):c.2887AAG[1] (p.Lys964del)

Gene: MYO5B (myosin VB; minus strand). Cytogenetic location: 18q21.1.
Variant type: Microsatellite.
Coding change: c.2887AAG[1] on transcript NM_001080467.3 (MANE Select); one copy of the 3-base unit AAG starting at c.2887; the reference has two copies in a row; one copy, 3 bases deleted.
Protein change: p.Lys964del; deletes lysine 964.
Molecular consequence: inframe deletion.
Genome position (GRCh38, 1-based): chr18:49,895,094-49,895,096, CTT deleted on the plus strand (AAG on the coding strand, the reverse complement: MYO5B is on the minus strand); deleting any 3 consecutive bases within chr18:49,895,094-49,895,100 gives the same sequence; the position shown is the placement nearest the transcript's 3' end. VCF-style (leftmost placement, unchanged base first): chr18-49895093-CCTT-C. GRCh37 (hg19) VCF-style: chr18-47421463-CCTT-C.
Other names: short protein forms K964del.
Identifiers: ClinVar variation 1303936 (VCV001303936.2), dbSNP rs756861105, ClinGen allele CA8960902.
Genomic context (GRCh38, chr18:49,895,093, plus strand): 5'-CCTCCTCCTGCAGCCTGAGGCTGGTGTCCTCACCTGGGCTCTGCTGGTAGTGCACCAGCT[CCTT>C]CTTCAGCCGCTCTACCTCCATGGTGTATGTTGAGGTGGTCACGGACAACTGCTCTGAAAG-3'

ClinVar aggregate classification (germline): Uncertain significance (1 of 4 stars; one submission).

Submission:

GeneDx
Classification: Uncertain significance. Last evaluated: 2020-08-26. Review status: criteria provided, single submitter. Criteria: GeneDx Variant Classification Process June 2021. Collection method: clinical testing. Allele origin: germline. Affected: yes.
Comment: Not observed at a significant frequency in large population cohorts (Lek et al., 2016); In-frame deletion of 1 amino acid in a non-repeat region; In silico analysis supports a deleterious effect on protein structure/function; Has not been previously published as pathogenic or benign to our knowledge